The following is an entry in ClinVar:

ClinVar aggregate classification (germline): Uncertain significance (1 of 4 stars; one submission).

Conditions:
Inborn genetic diseases. Identifiers: MedGen C0950123, MeSH D030342.

gnomAD v4.1: 7 of 1,614,118 alleles (0.00043%); highest among the groups gnomAD compares: South Asian, 0.0077%; no homozygotes.

Submission:

Ambry Genetics
Classification: Uncertain significance for Inborn genetic diseases. Last evaluated: 2025-05-23. Review status: criteria provided, single submitter. Criteria: Ambry Variant Classification Scheme 2023. Collection method: clinical testing. Allele origin: germline.
Comment: The p.D714H variant (also known as c.2140G>C), located in coding exon 8 of the MECOM gene, results from a G to C substitution at nucleotide position 2140. The aspartic acid at codon 714 is replaced by histidine, an amino acid with similar properties. This amino acid position is conserved. In addition, the in silico prediction for this alteration is inconclusive. Based on the available evidence, the clinical significance of this variant remains unclear.

NM_004991.4(MECOM):c.2140G>C (p.Asp714His)

Gene: MECOM (MDS1 and EVI1 complex locus; minus strand). Cytogenetic location: 3q26.2.
Variant type: single nucleotide variant.
Coding change: c.2140G>C on transcript NM_004991.4 (MANE Select); coding-DNA position 2140, G replaced by C.
Protein change: p.Asp714His; replaces aspartic acid 714 with histidine.
Molecular consequence: missense variant.
Genome position (GRCh38, 1-based): chr3:169,115,732, C>G on the plus strand (G>C on the coding strand, the complement: MECOM is on the minus strand). VCF-style: chr3-169115732-C-G. GRCh37 (hg19) VCF-style: chr3-168833520-C-G.
Other names: c.1771G>C, p.Asp591His (NM_001105077.4); c.1576G>C, p.Asp526His (NM_001105078.4, NM_001164000.2, NM_001205194.2 and 4 more transcripts); c.1579G>C, p.Asp527His (NM_001163999.2, NM_001366467.2, NM_001366468.2 and 1 more transcripts); c.2140G>C, p.Asp714His (NM_001366466.2); c.1168G>C, p.Asp390His (NM_001366473.2); c.604G>C, p.Asp202His (NM_001366474.2); short protein forms D526H, D527H, D390H, D714H, D202H, D591H.
Identifiers: ClinVar variation 4053284 (VCV004053284.1).